The following is an entry in ClinVar:

ClinVar aggregate classification (germline): Uncertain significance. Review status: criteria provided, multiple submitters, no conflicts (2 of 4 stars). 2 submissions from 2 submitters: Uncertain significance (2). Last evaluated 2024-09-11.

Conditions:
Catecholaminergic polymorphic ventricular tachycardia 1. Also called: RYR2-Related Catecholaminergic Polymorphic Ventricular Tachycardia; VENTRICULAR TACHYCARDIA, CATECHOLAMINERGIC POLYMORPHIC, 1, WITH OR WITHOUT ATRIAL DYSFUNCTION AND/OR DILATED CARDIOMYOPATHY; VENTRICULAR TACHYCARDIA, STRESS-INDUCED POLYMORPHIC 1. Identifiers: Orphanet 3286, MedGen C1631597, MONDO:0011484, OMIM 604772.

Submissions (2):

GeneDx
Classification: Uncertain significance. Last evaluated: 2024-09-11. Review status: criteria provided, single submitter. Criteria: GeneDx Variant Classification Process June 2021. Collection method: clinical testing. Allele origin: germline. Affected: yes.
Comment: Canonical splice site variant in a gene or region of a gene for which loss of function is not a well-established mechanism of disease; Has not been previously published as pathogenic or benign to our knowledge; Not observed at significant frequency in large population cohorts (gnomAD)

Labcorp Genetics (formerly Invitae), Labcorp
Classification: Uncertain significance for Catecholaminergic polymorphic ventricular tachycardia 1. Last evaluated: 2021-08-29. Review status: criteria provided, single submitter. Criteria: Invitae Variant Classification Sherloc (09022015). Collection method: clinical testing. Allele origin: germline.
Comment: Algorithms developed to predict the effect of sequence changes on RNA splicing suggest that this variant may disrupt the consensus splice site. In summary, the available evidence is currently insufficient to determine the role of this variant in disease. Therefore, it has been classified as a Variant of Uncertain Significance. This variant has not been reported in the literature in individuals affected with RYR2-related conditions. This variant is not present in population databases (ExAC no frequency). This sequence change affects an acceptor splice site in intron 48 of the RYR2 gene. It is expected to disrupt RNA splicing. Variants that disrupt the donor or acceptor splice site typically lead to a loss of protein function (PMID: 16199547), however the current clinical and genetic evidence is not sufficient to establish whether loss-of-function variants in RYR2 cause disease.

Literature cited by the submitters: PubMed 16199547 (cited by Labcorp Genetics (formerly Invitae), Labcorp).

NM_001035.3(RYR2):c.7343-2A>G

Gene: RYR2 (ryanodine receptor 2; plus strand). Cytogenetic location: 1q43.
Variant type: single nucleotide variant.
Coding change: c.7343-2A>G on transcript NM_001035.3 (MANE Select); the canonical splice acceptor site of the intron before coding-DNA position 7343, A replaced by G.
Molecular consequence: splice acceptor variant.
Genome position (GRCh38, 1-based): chr1:237,648,442, A>G. VCF-style: chr1-237648442-A-G. GRCh37 (hg19) VCF-style: chr1-237811742-A-G.
Identifiers: ClinVar variation 1317422 (VCV001317422.10), dbSNP rs778152200, ClinGen allele CA075770.
Genomic context (GRCh38, chr1:237,648,442, plus strand): 5'-ATTTGTAATCTATCCTGTATATGACACAGCCATTGACACCAAAATTCACTTCTCTCTTTT[A>G]GATGGGAATGTGGTGGAACCTGACATGTCTGCGGGGTTTTGCCCAGATCACAAGGCAGCC-3'